The following is an entry in ClinVar:

NM_000169.3(GLA):c.650C>T (p.Thr217Ile)

Genes: GLA (galactosidase alpha; minus strand), RPL36A-HNRNPH2 (RPL36A-HNRNPH2 readthrough; plus strand). Cytogenetic location: Xq22.1.
Variant type: single nucleotide variant.
Coding change: c.650C>T on transcript NM_000169.3 (MANE Select); coding-DNA position 650, C replaced by T.
Protein change: p.Thr217Ile; replaces threonine 217 with isoleucine.
Molecular consequence: missense variant. On other transcripts: non-coding transcript variant (3), intron variant (2).
Genome position (GRCh38, 1-based): chrX:101,398,936, G>A on the plus strand (C>T on the coding strand, the complement: GLA is on the minus strand). VCF-style: chrX-101398936-G-A. GRCh37 (hg19) VCF-style: chrX-100653924-G-A.
Other names: c.773C>T, p.Thr258Ile (NM_001406747.1); c.650C>T, p.Thr217Ile (NM_001406748.1); c.300+3479G>A (NM_001199973.2); c.177+7114G>A (NM_001199974.2); short protein forms T217I, T258I.
Identifiers: ClinVar variation 2894898 (VCV002894898.5), dbSNP rs2520872389, ClinGen allele CA413925106.
Genomic context (GRCh38, chrX:101,398,936, plus strand): 5'-TTCCAGGAATCATCAATGTCAGCAAAATTTCGCCAGTGATTGCAGTACTGTCGGATTTCT[G>A]TATAATTGGGCTGTGAAAACAGATATGACTCTTCTGTTTACTTTCTACTAACATCCTTGT-3'
Protein context (NP_000160.1, residues 207-227): YMWPFQKPNY[Thr217Ile]EIRQYCNHWR

ClinVar aggregate classification (germline): Uncertain significance. Review status: criteria provided, multiple submitters, no conflicts (2 of 4 stars). 3 submissions from 3 submitters: Uncertain significance (3). Last evaluated 2025-06-23.

Conditions:
Fabry disease. Also called: Fabry's disease; ALPHA-GALACTOSIDASE A DEFICIENCY; ANDERSON-FABRY DISEASE; CERAMIDE TRIHEXOSIDASE DEFICIENCY; GLA DEFICIENCY; HEREDITARY DYSTOPIC LIPIDOSIS. Identifiers: Orphanet 324, MedGen C0002986, MONDO:0010526, OMIM 301500, HP:0001071. Disease mechanism: Fabry disease is due to inactivating mutations in the X-linked GLA gene resulting in deficiency of the enzyme Alpha Galactosidase-A., loss of function.

Submissions (3):

Color Diagnostics, LLC DBA Color Health
Classification: Uncertain significance for Fabry disease. Last evaluated: 2025-06-23. Review status: criteria provided, single submitter. Criteria: ACMG Guidelines, 2015. Collection method: clinical testing. Allele origin: germline.
Comment: This missense variant replaces threonine with isoleucine at codon 217 of the GLA protein. Computational prediction is inconclusive regarding the impact of this variant on protein structure and function. To our knowledge, functional studies have not been reported for this variant. This variant has not been reported in individuals affected with GLA-related disorders in the literature. This variant has not been identified in the general population by the Genome Aggregation Database (gnomAD). The available evidence is insufficient to determine the role of this variant in disease conclusively. Therefore, this variant is classified as a Variant of Uncertain Significance.

All of Us Research Program, National Institutes of Health
Classification: Uncertain significance for Fabry disease. Last evaluated: 2024-09-23. Review status: criteria provided, single submitter. Criteria: ACMG Guidelines, 2015. Collection method: clinical testing. Allele origin: germline. Inheritance: X-linked inheritance. Observed: 1 variant allele, 1 heterozygote.
Comment: This study involves interpretation of variants in research participants for the purpose of population health screening. Participant phenotype was not available at the time of variant classification. Additional details can be found in publication PMID: 35346344, PMCID: PMC8962531

Labcorp Genetics (formerly Invitae), Labcorp
Classification: Uncertain significance for Fabry disease. Last evaluated: 2024-07-23. Review status: criteria provided, single submitter. Criteria: Invitae Variant Classification Sherloc (09022015). Collection method: clinical testing. Allele origin: germline.
Comment: This sequence change replaces threonine, which is neutral and polar, with isoleucine, which is neutral and non-polar, at codon 217 of the GLA protein (p.Thr217Ile). This variant is not present in population databases (gnomAD no frequency). This variant has not been reported in the literature in individuals affected with GLA-related conditions. Advanced modeling of protein sequence and biophysical properties (such as structural, functional, and spatial information, amino acid conservation, physicochemical variation, residue mobility, and thermodynamic stability) has been performed at Invitae for this missense variant, however the output from this modeling did not meet the statistical confidence thresholds required to predict the impact of this variant on GLA protein function. In summary, the available evidence is currently insufficient to determine the role of this variant in disease. Therefore, it has been classified as a Variant of Uncertain Significance.